The following is an entry in ClinVar:

ClinVar aggregate classification (germline): Uncertain significance (1 of 4 stars; one submission).

Submission:

GeneDx
Classification: Uncertain significance. Last evaluated: 2025-04-21. Review status: criteria provided, single submitter. Criteria: GeneDx Variant Classification Process June 2021. Collection method: clinical testing. Allele origin: germline. Affected: yes.
Comment: Not observed at significant frequency in large population cohorts (gnomAD); In silico analysis supports that this missense variant has a deleterious effect on protein structure/function; Has not been previously published as pathogenic or benign to our knowledge

NM_019842.4(KCNQ5):c.407T>C (p.Leu136Pro)

Gene: KCNQ5 (potassium voltage-gated channel subfamily Q member 5; plus strand). Cytogenetic location: 6q13.
Variant type: single nucleotide variant.
Coding change: c.407T>C on transcript NM_019842.4 (MANE Select); coding-DNA position 407, T replaced by C.
Protein change: p.Leu136Pro; replaces leucine 136 with proline.
Molecular consequence: missense variant.
Genome position (GRCh38, 1-based): chr6:73,003,916, T>C. VCF-style: chr6-73003916-T-C. GRCh37 (hg19) VCF-style: chr6-73713639-T-C.
Other names: c.407T>C, p.Leu136Pro (NM_001160130.2, NM_001160132.2, NM_001160133.2 and 1 more transcripts); short protein forms L136P.
Identifiers: ClinVar variation 4527421 (VCV004527421.1).